The following continues an entry in ClinVar:

NM_000059.4(BRCA2):c.971G>C (p.Arg324Thr)

Gene: BRCA2. ClinVar aggregate classification (germline): Conflicting classifications of pathogenicity. Uncertain significance (8); Benign (1); Likely benign (3).

Submissions 9 to 14 of 14:

University of Washington Department of Laboratory Medicine, University of Washington
Classification: Likely benign for Hereditary cancer-predisposing syndrome. Last evaluated: 2023-03-23. Review status: criteria provided, single submitter. Criteria: Dines et al. (Genet Med. 2020). Collection method: curation. Allele origin: germline.
Comment: Missense variant in a coldspot region where missense variants are very unlikely to be pathogenic (PMID:31911673).

BRCA2 exon 10 coldspot. Reclassification based on statistical prior probability.

GeneDx
Classification: Uncertain significance. Last evaluated: 2022-09-30. Review status: criteria provided, single submitter. Criteria: GeneDx Variant Classification Process June 2021. Collection method: clinical testing. Allele origin: germline. Affected: yes.
Comment: Not observed at significant frequency in large population cohorts (gnomAD); In silico analysis, which includes protein predictors and evolutionary conservation, supports that this variant does not alter protein structure/function; Observed in individuals with personal and/or family history of breast, ovarian, and/or pancreatic cancer (Meindl et al., 2002; Domchek et al., 2013; Murali et al., 2021); This variant is associated with the following publications: (PMID: 25348012, 11802209, 29435075, 23269703, 34399810)

Women's Health and Genetics/Laboratory Corporation of America, LabCorp
Classification: Uncertain significance. Last evaluated: 2022-02-07. Review status: criteria provided, single submitter. Criteria: LabCorp Variant Classification Summary - May 2015. Collection method: clinical testing. Allele origin: germline.
Comment: Variant summary: BRCA2 c.971G>C (p.Arg324Thr) results in a non-conservative amino acid change in the encoded protein sequence. Three of five in-silico tools predict a benign effect of the variant on protein function. The variant allele was found at a frequency of 2.1e-05 in 232690 control chromosomes (gnomAD). The available data on variant occurrences in the general population are insufficient to allow any conclusion about variant significance. c.971G>C has been reported in the literature in individuals affected with Breast, Ovarian, and Pancreatic cancer (example: Domcheck_2013, Meindl_2002, Dorling_2021, Murali_2021). However, in one of the reported families the variant was found to co-occur with two separate pathogenic/likely pathogenic BRCA1 variants, c.2457delC and c.5207T>C. In addition, the variant seemed to not segregate with the disease in this family (Domchek_2013). At least two publications report experimental evidence evaluating an impact on protein function: One Fanconi-deficient rescue assay demonstrated that the variant causes partial loss of function (Pouliot_2019), and one BRCA2 null cell survival and proliferation assay following PARP inhibition demonstrated that the variant had normal function (Ikegami_2020). Six ClinVar submitters have assessed the variant since 2014: all submitters classified the variant as of uncertain significance. Based on the evidence outlined above, the variant was classified as uncertain significance.

Quest Diagnostics Nichols Institute San Juan Capistrano
Classification: Uncertain significance. Last evaluated: 2018-10-15. Review status: criteria provided, single submitter. Criteria: Quest Diagnostics criteria. Collection method: clinical testing. Allele origin: germline.

Counsyl
Classification: Uncertain significance for Breast-ovarian cancer, familial, susceptibility to, 2. Last evaluated: 2017-06-14. Review status: no assertion criteria provided. Collection method: clinical testing. Allele origin: unknown. Not counted in ClinVar's aggregate classification.

Sharing Clinical Reports Project (SCRP)
Classification: Uncertain significance for Breast-ovarian cancer, familial 2. Last evaluated: 2011-11-02. Review status: no assertion criteria provided. Collection method: clinical testing. Allele origin: germline. Not counted in ClinVar's aggregate classification.

Literature cited by the submitters: PubMed 11802209 (cited by 7 submitters); PubMed 34399810 (cited by 3 submitters); PubMed 31721781 (cited by 4 submitters); PubMed 32444794 (cited by 4 submitters); PubMed 23269703 (cited by 6 submitters); PubMed 25348012 (cited by Ambry Genetics and Quest Diagnostics Nichols Institute San Juan Capistrano); PubMed 31853058 (cited by Color Diagnostics, LLC DBA Color Health); PubMed 33471991 (cited by 3 submitters); PubMed 29435075 (cited by Women's Health and Genetics/Laboratory Corporation of America, LabCorp); PubMed 26295337 (cited by Quest Diagnostics Nichols Institute San Juan Capistrano).